The following is an entry in ClinVar:

ClinVar aggregate classification (germline): Likely pathogenic (1 of 4 stars; one submission).

Conditions:
Glycine encephalopathy. Also called: Nonketotic hyperglycinemia; Non-ketotic hyperglycinemia. Identifiers: Orphanet 407, MedGen C0751748, MONDO:0011612, HP:0008288.

Submission:

Natera, Inc.
Classification: Likely pathogenic for Non-ketotic hyperglycinemia. Last evaluated: 2024-12-13. Review status: criteria provided, single submitter. Criteria: Natera Variant Classification Schema (03/2026). Collection method: clinical testing. Allele origin: germline.
Comment: The c.441_447dup variant in AMT is a frameshift variant predicted to shift the reading frame beginning at codon 150 and leads to a stop codon 30 codons downstream. This variant is expected to result in nonsense mediated decay, truncation, or a dysfunctional protein product. This variant is rare in the general population with a frequency below the threshold expected for the associated phenotype(s). Given the available evidence, this variant is classified as Likely Pathogenic.

NM_000481.4(AMT):c.441_447dup (p.Glu150fs)

Gene: AMT (aminomethyltransferase; minus strand). Cytogenetic location: 3p21.31.
Variant type: Duplication.
Coding change: c.441_447dup on transcript NM_000481.4 (MANE Select); coding-DNA positions 441 to 447, 7 bases duplicated (CTGCTGG; older notation c.441_447dupCTGCTGG).
Protein change: p.Glu150fs; shifts the reading frame from glutamic acid 150.
Molecular consequence: frameshift variant. On other transcripts: non-coding transcript variant (1), intron variant (1).
Genome position (GRCh38, 1-based): chr3:49,420,235-49,420,241, CCAGCAG duplicated on the plus strand (CTGCTGG on the coding strand, the reverse complement: AMT is on the minus strand); duplicating any 7 consecutive bases within chr3:49,420,235-49,420,246 gives the same sequence; the c. name uses the placement nearest the transcript's 3' end. VCF-style (leftmost placement, unchanged base first): chr3-49420234-C-CCCAGCAG. GRCh37 (hg19) VCF-style: chr3-49457667-C-CCCAGCAG.
Other names: c.273_279dup, p.Glu94fs (NM_001164711.2); c.441_447dup, p.Glu150fs (NM_001164712.2); c.340-453_340-447dup (NM_001164710.2); c.441_447dup (NM_000481.3); short protein forms E150fs, E94fs.
Identifiers: ClinVar variation 4818427 (VCV004818427.1).